The following is an entry in ClinVar:

ClinVar aggregate classification (germline): Uncertain significance (1 of 4 stars; one submission).

Conditions:
Polycystic kidney disease, adult type (PKD1). Also called: Polycystic Kidney Disease 1, Autosomal Dominant; Polycystic kidney disease 1; Polycystic kidney disease 1, severe; Polycystic Kidney, Autosomal Dominant; POLYCYSTIC KIDNEY DISEASE 1 WITH OR WITHOUT POLYCYSTIC LIVER DISEASE; POLYCYSTIC KIDNEY DISEASE, ADULT, TYPE I. Identifiers: MedGen C3149841, MONDO:0008263, OMIM 173900.

Submission:

MVZ Medizinische Genetik Mainz
Classification: Uncertain significance for Polycystic kidney disease, adult type. Last evaluated: 2025-05-26. Review status: criteria provided, single submitter. Criteria: UK Practice Guidelines For Variant Classification V4 01 2020. Collection method: clinical testing. Allele origin: germline. Inheritance: Autosomal dominant inheritance. Affected: yes. Observed: 1 variant allele.
Comment: ACMG Criteria: PM2_SUP,PP3,PP4

NM_001009944.3(PKD1):c.10821G>A (p.Lys3607=)

Genes: PKD1 (polycystin 1, transient receptor potential channel interacting; minus strand), PKD1-AS1 (PKD1 antisense RNA 1; plus strand). Cytogenetic location: 16p13.3.
Variant type: single nucleotide variant.
Coding change: c.10821G>A on transcript NM_001009944.3 (MANE Select); coding-DNA position 10821, G replaced by A.
Protein change: p.Lys3607=; no amino-acid change (lysine 3607 retained).
Molecular consequence: synonymous variant.
Genome position (GRCh38, 1-based): chr16:2,093,811, C>T on the plus strand (G>A on the coding strand, the complement: PKD1 is on the minus strand). VCF-style: chr16-2093811-C-T. GRCh37 (hg19) VCF-style: chr16-2143812-C-T.
Other names: c.10818G>A, p.Lys3606= (NM_000296.4).
Identifiers: ClinVar variation 3907666 (VCV003907666.1).